The following is an entry in ClinVar:

NM_014003.4(DHX38):c.616+3A>G

Gene: DHX38 (DEAH-box helicase 38; plus strand). Cytogenetic location: 16q22.2.
Variant type: single nucleotide variant.
Coding change: c.616+3A>G on transcript NM_014003.4 (MANE Select); 3 bases into the intron after coding-DNA position 616, A replaced by G.
Molecular consequence: intron variant.
Genome position (GRCh38, 1-based): chr16:72,097,784, A>G. VCF-style: chr16-72097784-A-G. GRCh37 (hg19) VCF-style: chr16-72131683-A-G.
Identifiers: ClinVar variation 935861 (VCV000935861.6), dbSNP rs755096342, ClinGen allele CA8160022.

ClinVar aggregate classification (germline): Uncertain significance. Review status: criteria provided, multiple submitters, no conflicts (2 of 4 stars). 2 submissions from 2 submitters: Uncertain significance (2). Last evaluated 2023-11-27.

Allele frequency attached by ClinVar (database versions not stated): gnomAD 0.00002; gnomAD exomes 0.00008 and 0.00019; TOPMed 0.00012; ExAC 0.00020.
gnomAD v4.1: 53 of 1,612,372 alleles (0.0033%); highest among the groups gnomAD compares: Admixed American, 0.089%; no homozygotes.

Submissions (2):

Labcorp Genetics (formerly Invitae), Labcorp
Classification: Uncertain significance. Last evaluated: 2023-11-27. Review status: criteria provided, single submitter. Criteria: Invitae Variant Classification Sherloc (09022015). Collection method: clinical testing. Allele origin: germline.
Comment: This sequence change falls in intron 4 of the DHX38 gene. It does not directly change the encoded amino acid sequence of the DHX38 protein. It affects a nucleotide within the consensus splice site. This variant is present in population databases (rs755096342, gnomAD 0.1%). This variant has not been reported in the literature in individuals affected with DHX38-related conditions. ClinVar contains an entry for this variant (Variation ID: 935861). Variants that disrupt the consensus splice site are a relatively common cause of aberrant splicing (PMID: 17576681, 9536098). Algorithms developed to predict the effect of sequence changes on RNA splicing suggest that this variant may disrupt the consensus splice site. In summary, the available evidence is currently insufficient to determine the role of this variant in disease. Therefore, it has been classified as a Variant of Uncertain Significance.

Blueprint Genetics
Classification: Uncertain significance. Last evaluated: 2022-05-20. Review status: criteria provided, single submitter. Criteria: ACMG Guidelines, 2015. Collection method: clinical testing. Allele origin: germline.

Literature cited by the submitters: PubMed 17576681 (cited by Labcorp Genetics (formerly Invitae), Labcorp); PubMed 9536098 (cited by Labcorp Genetics (formerly Invitae), Labcorp).